The following is an entry in ClinVar:

NM_001358235.2(DCHS2):c.3844G>A (p.Val1282Ile)

Gene: DCHS2 (dachsous cadherin-related 2; minus strand). Cytogenetic location: 4q31.3.
Variant type: single nucleotide variant.
Coding change: c.3844G>A on transcript NM_001358235.2 (MANE Select); coding-DNA position 3844, G replaced by A.
Protein change: p.Val1282Ile; replaces valine 1282 with isoleucine.
Molecular consequence: missense variant.
Genome position (GRCh38, 1-based): chr4:154,329,597, C>T on the plus strand (G>A on the coding strand, the complement: DCHS2 is on the minus strand). VCF-style: chr4-154329597-C-T. GRCh37 (hg19) VCF-style: chr4-155250749-C-T.
Other names: c.3844G>A, p.Val1282Ile (NM_001142552.2, NM_001412223.1); short protein forms V1282I.
Identifiers: ClinVar variation 3049809 (VCV003049809.2), dbSNP rs7666283, ClinGen allele CA3113062.
Genomic context (GRCh38, chr4:154,329,597, plus strand): 5'-CCTTTCCAGGGAGACACTGGGGGAAGAAGGGCCTGTTATCATTGATGTCAGTAACTGAGA[C>T]GTAAACCGCCATGGTGGCGTTTCGTGGTGGGGAGCCGCGGTCTGTCACTAGCACAGTCAT-3'
Protein context (NP_001345164.1, residues 1272-1292): PPRNATMAVY[Val1282Ile]SVTDINDNRP

ClinVar aggregate classification (germline): Benign (0 of 4 stars; one submission).

Conditions:
DCHS2-related disorder. Also called: DCHS2-related condition.

Allele frequency attached by ClinVar (database versions not stated): ExAC 0.00721; gnomAD 0.02272; 1000 Genomes Project 0.02356; 1000 Genomes Project 30x 0.02436; ESP Exome Variant Server 0.02530; TOPMed 0.02576.
gnomAD v4.1: 6,693 of 1,613,360 alleles (0.41%); highest among the groups gnomAD compares: African/African-American, 7.9%; 249 homozygotes.

Submission:

PreventionGenetics, part of Exact Sciences
Classification: Benign for DCHS2-related condition. Last evaluated: 2019-02-18. Review status: no assertion criteria provided. Collection method: clinical testing. Allele origin: germline.
Comment: This variant is classified as benign based on ACMG/AMP sequence variant interpretation guidelines (Richards et al. 2015 PMID: 25741868, with internal and published modifications).